The following is an entry in ClinVar:

ClinVar aggregate classification (germline): Uncertain significance. Review status: criteria provided, single submitter (1 of 4 stars). 2 submissions from 2 submitters: Uncertain significance (1). 1 of the submissions does not count toward it. Last evaluated 2024-10-16.

Conditions:
TRRAP-related disorder. Also called: TRRAP-related condition.

Allele frequency attached by ClinVar (database versions not stated): gnomAD exomes below 0.00001; ExAC 0.00001; gnomAD 0.00001; 1000 Genomes Project 30x 0.00016; 1000 Genomes Project 0.00020.
gnomAD v4.1: 6 of 1,613,680 alleles (0.00037%); highest among the groups gnomAD compares: Admixed American, 0.0033%; no homozygotes.

Submissions (3):

Labcorp Genetics (formerly Invitae), Labcorp
Classification: Uncertain significance. Last evaluated: 2024-10-16. Review status: criteria provided, single submitter. Criteria: Invitae Variant Classification Sherloc (09022015). Collection method: clinical testing. Allele origin: germline.
Comment: This sequence change falls in intron 67 of the TRRAP gene. It does not directly change the encoded amino acid sequence of the TRRAP protein. It affects a nucleotide within the consensus splice site. This variant is present in population databases (rs575664213, gnomAD 0.003%). This variant has not been reported in the literature in individuals affected with TRRAP-related conditions. Variants that disrupt the consensus splice site are a relatively common cause of aberrant splicing (PMID: 17576681, 9536098). Algorithms developed to predict the effect of sequence changes on RNA splicing suggest that this variant is not likely to affect RNA splicing. In summary, the available evidence is currently insufficient to determine the role of this variant in disease. Therefore, it has been classified as a Variant of Uncertain Significance.

PreventionGenetics, part of Exact Sciences
Classification: Likely benign for TRRAP-related condition. Last evaluated: 2023-07-06. Review status: no assertion criteria provided. Collection method: clinical testing. Allele origin: germline. Not counted in ClinVar's aggregate classification.
Comment: This variant is classified as likely benign based on ACMG/AMP sequence variant interpretation guidelines (Richards et al. 2015 PMID: 25741868, with internal and published modifications).

Dr. Peter K. Rogan Lab, Western University
No classification provided (evidence only). Condition: Cholangiocarcinoma. Review status: no classification provided. Collection method: in vitro. Allele origin: not applicable. Functional consequence: retained intron. Not counted in ClinVar's aggregate classification.

Literature cited by the submitters: PubMed 17576681 (cited by Labcorp Genetics (formerly Invitae), Labcorp); PubMed 9536098 (cited by Labcorp Genetics (formerly Invitae), Labcorp).

NM_001375524.1(TRRAP):c.10754-3C>T

Gene: TRRAP (transformation/transcription domain associated protein; plus strand). Cytogenetic location: 7q22.1.
Variant type: single nucleotide variant.
Coding change: c.10754-3C>T on transcript NM_001375524.1 (MANE Select); 3 bases into the intron before coding-DNA position 10754, C replaced by T.
Molecular consequence: intron variant.
Genome position (GRCh38, 1-based): chr7:99,008,374, C>T. VCF-style: chr7-99008374-C-T. GRCh37 (hg19) VCF-style: chr7-98605997-C-T.
Other names: c.10625-3C>T (NM_003496.3, NM_003496.4); c.10712-3C>T (NM_001244580.2).
Identifiers: ClinVar variation 2873321 (VCV002873321.6), dbSNP rs575664213, ClinGen allele CA4361997.